The following is an entry in ClinVar:

NM_015450.3(POT1):c.1687-1G>A

Gene: POT1 (protection of telomeres 1; minus strand). Cytogenetic location: 7q31.33.
Variant type: single nucleotide variant.
Coding change: c.1687-1G>A on transcript NM_015450.3 (MANE Select); the canonical splice acceptor site of the intron before coding-DNA position 1687, G replaced by A.
Molecular consequence: splice acceptor variant.
Genome position (GRCh38, 1-based): chr7:124,825,358, C>T on the plus strand (G>A on the coding strand, the complement: POT1 is on the minus strand). VCF-style: chr7-124825358-C-T. GRCh37 (hg19) VCF-style: chr7-124465412-C-T.
Other names: IVS17AS, G-A, -1; c.1294-1G>A (NM_001042594.2).
Identifiers: ClinVar variation 139521 (VCV000139521.11), dbSNP rs587777473, ClinGen allele CA163228.

ClinVar aggregate classification (germline): Conflicting classifications of pathogenicity. Review status: criteria provided, conflicting classifications (1 of 4 stars). 3 submissions from 3 submitters: Likely pathogenic (1); Uncertain significance (1). 1 of the submissions does not count toward it. Last evaluated 2022-10-03.

Conditions:
Tumor predisposition syndrome 3 (TPDS3). Also called: Melanoma, cutaneous malignant, susceptibility to, 10; Glioma susceptibility 9; LONG TELOMERE SYNDROME, POT1-RELATED; POT1 Tumor Predisposition. Identifiers: Orphanet 618, MedGen C4014476, MONDO:0014368, OMIM 615848.

Allele frequency attached by ClinVar (database versions not stated): gnomAD exomes below 0.00001; ExAC 0.00001.
gnomAD v4.1: 3 of 1,586,528 alleles (0.00019%); highest among the groups gnomAD compares: Non-Finnish European, 0.00026%; no homozygotes.

Submissions (3):

Labcorp Genetics (formerly Invitae), Labcorp
Classification: Likely pathogenic for Tumor predisposition syndrome 3. Last evaluated: 2022-10-03. Review status: criteria provided, single submitter. Criteria: Invitae Variant Classification Sherloc (09022015). Collection method: clinical testing. Allele origin: germline.
Comment: This sequence change affects an acceptor splice site in intron 17 of the POT1 gene. It is expected to disrupt RNA splicing. Variants that disrupt the donor or acceptor splice site typically lead to a loss of protein function (PMID: 16199547), and loss-of-function variants in POT1 are known to be pathogenic (PMID: 32155570). This variant is present in population databases (rs587777473, gnomAD 0.0009%). Disruption of this splice site has been observed in individual(s) with melanoma (PMID: 24686849). ClinVar contains an entry for this variant (Variation ID: 139521). Algorithms developed to predict the effect of sequence changes on RNA splicing suggest that this variant may disrupt the consensus splice site. In summary, the currently available evidence indicates that the variant is pathogenic, but additional data are needed to prove that conclusively. Therefore, this variant has been classified as Likely Pathogenic.

Breakthrough Genomics
Classification: Uncertain significance. Review status: criteria provided, single submitter. Criteria: ACMG Guidelines, 2015. Collection method: not provided. Allele origin: germline. Inheritance: Autosomal recessive inheritance. Affected: yes.

OMIM
Classification: Pathogenic for TUMOR PREDISPOSITION SYNDROME 3. Last evaluated: 2014-05-01. Review status: no assertion criteria provided. Collection method: literature only. Allele origin: germline. Not counted in ClinVar's aggregate classification.

Literature cited by the submitters: PubMed 16199547 (cited by Labcorp Genetics (formerly Invitae), Labcorp); PubMed 32155570 (cited by Labcorp Genetics (formerly Invitae), Labcorp); PubMed 24686849 (cited by Labcorp Genetics (formerly Invitae), Labcorp and OMIM).